The following is an entry in ClinVar:

NM_001378120.1(MBD5):c.1911G>T (p.Gly637=)

Gene: MBD5 (methyl-CpG binding domain protein 5; plus strand). Cytogenetic location: 2q23.1.
Variant type: single nucleotide variant.
Coding change: c.1911G>T on transcript NM_001378120.1 (MANE Select); coding-DNA position 1911, G replaced by T.
Protein change: p.Gly637=; no amino-acid change (glycine 637 retained).
Molecular consequence: synonymous variant.
Genome position (GRCh38, 1-based): chr2:148,469,854, G>T. VCF-style: chr2-148469854-G-T. GRCh37 (hg19) VCF-style: chr2-149227423-G-T.
Other names: c.1911G>T, p.Gly637= (NM_018328.5).
Identifiers: ClinVar variation 384481 (VCV000384481.14), dbSNP rs772127604, ClinGen allele CA1900077.

ClinVar aggregate classification (germline): Benign/Likely benign. Review status: criteria provided, multiple submitters, no conflicts (2 of 4 stars). 3 submissions from 3 submitters: Benign (1); Likely benign (2). Last evaluated 2022-02-24.

Conditions:
Inborn genetic diseases. Identifiers: MedGen C0950123, MeSH D030342.
Intellectual developmental disorder, autosomal dominant 1. Also called: MBD5 Haploinsufficiency; Intellectual disability, autosomal dominant 1. Identifiers: Orphanet 228402, MedGen C1969562, MONDO:0007974, OMIM 156200.

Allele frequency attached by ClinVar (database versions not stated): gnomAD exomes below 0.00001; ExAC 0.00001.
gnomAD v4.1: 3 of 1,613,920 alleles (0.00019%); highest among the groups gnomAD compares: African/African-American, 0.0013%; no homozygotes.

Submissions (3):

Labcorp Genetics (formerly Invitae), Labcorp
Classification: Benign for Intellectual developmental disorder, autosomal dominant 1. Last evaluated: 2022-02-24. Review status: criteria provided, single submitter. Criteria: Invitae Variant Classification Sherloc (09022015). Collection method: clinical testing. Allele origin: germline.

Ambry Genetics
Classification: Likely benign for Inborn genetic diseases. Last evaluated: 2017-08-15. Review status: criteria provided, single submitter. Criteria: Ambry Variant Classification Scheme 2023. Collection method: clinical testing. Allele origin: germline.

GeneDx
Classification: Likely benign. Last evaluated: 2016-03-15. Review status: criteria provided, single submitter. Criteria: GeneDx Variant Classification (06012015). Collection method: clinical testing. Allele origin: germline. Affected: yes.
Comment: This variant is considered likely benign or benign based on one or more of the following criteria: it is a conservative change, it occurs at a poorly conserved position in the protein, it is predicted to be benign by multiple in silico algorithms, and/or has population frequency not consistent with disease.